The following is an entry in ClinVar:

ClinVar aggregate classification (germline): Benign (1 of 4 stars; one submission).

Allele frequency attached by ClinVar (database versions not stated): 1000 Genomes Project 0.57129; 1000 Genomes Project 30x 0.57417; gnomAD 0.58015 and 0.58018; TOPMed 0.58505; gnomAD exomes 0.59271.
gnomAD v4.1: 518,897 of 878,630 alleles (59%); highest among the groups gnomAD compares: East Asian, 64%; 154,277 homozygotes.

Submission:

GeneDx
Classification: Benign. Last evaluated: 2018-06-14. Review status: criteria provided, single submitter. Criteria: GeneDx Variant Classification (06012015). Collection method: clinical testing. Allele origin: germline. Affected: yes.
Comment: This variant is considered likely benign or benign based on one or more of the following criteria: it is a conservative change, it occurs at a poorly conserved position in the protein, it is predicted to be benign by multiple in silico algorithms, and/or has population frequency not consistent with disease.

NM_182961.4(SYNE1):c.11580+119C>T

Gene: SYNE1 (spectrin repeat containing nuclear envelope protein 1; minus strand). Cytogenetic location: 6q25.2.
Variant type: single nucleotide variant.
Coding change: c.11580+119C>T on transcript NM_182961.4 (MANE Select); 119 bases into the intron after coding-DNA position 11580, C replaced by T.
Molecular consequence: intron variant.
Genome position (GRCh38, 1-based): chr6:152,351,908, G>A on the plus strand (C>T on the coding strand, the complement: SYNE1 is on the minus strand). VCF-style: chr6-152351908-G-A. GRCh37 (hg19) VCF-style: chr6-152673043-G-A.
Other names: c.11535+119C>T (NM_033071.5).
Identifiers: ClinVar variation 670167 (VCV000670167.1), dbSNP rs6908204, ClinGen allele CA12253565.